The following is an entry in ClinVar:

NM_000702.4(ATP1A2):c.2709+17A>G

Gene: ATP1A2 (ATPase Na+/K+ transporting subunit alpha 2; plus strand). Cytogenetic location: 1q23.2.
Variant type: single nucleotide variant.
Coding change: c.2709+17A>G on transcript NM_000702.4 (MANE Select); 17 bases into the intron after coding-DNA position 2709, A replaced by G.
Molecular consequence: intron variant.
Genome position (GRCh38, 1-based): chr1:160,136,732, A>G. VCF-style: chr1-160136732-A-G. GRCh37 (hg19) VCF-style: chr1-160106522-A-G.
Identifiers: ClinVar variation 386555 (VCV000386555.8), dbSNP rs961165805, ClinGen allele CA16603470.

ClinVar aggregate classification (germline): Likely benign. Review status: criteria provided, multiple submitters, no conflicts (2 of 4 stars). 2 submissions from 2 submitters: Likely benign (2). Last evaluated 2024-09-30.

Conditions:
Familial hemiplegic migraine. Identifiers: MedGen C0338484, MONDO:0000700.

Allele frequency attached by ClinVar (database versions not stated): gnomAD exomes below 0.00001; TOPMed below 0.00001; gnomAD 0.00001.
gnomAD v4.1: 2 of 1,614,038 alleles (0.00012%); highest among the groups gnomAD compares: Non-Finnish European, 0.00017%; no homozygotes.

Submissions (2):

Labcorp Genetics (formerly Invitae), Labcorp
Classification: Likely benign for Familial hemiplegic migraine. Last evaluated: 2024-09-30. Review status: criteria provided, single submitter. Criteria: Invitae Variant Classification Sherloc (09022015). Collection method: clinical testing. Allele origin: germline.

GeneDx
Classification: Likely benign. Last evaluated: 2016-05-31. Review status: criteria provided, single submitter. Criteria: GeneDx Variant Classification (06012015). Collection method: clinical testing. Allele origin: germline. Affected: yes.
Comment: This variant is considered likely benign or benign based on one or more of the following criteria: it is a conservative change, it occurs at a poorly conserved position in the protein, it is predicted to be benign by multiple in silico algorithms, and/or has population frequency not consistent with disease.